The following is an entry in ClinVar:

NM_001166108.2(PALLD):c.2315C>G (p.Ser772Cys)

Genes: CBR4 (carbonyl reductase 4; minus strand), PALLD (palladin, cytoskeletal associated protein; plus strand). Cytogenetic location: 4q32.3.
Variant type: single nucleotide variant.
Coding change: c.2315C>G on transcript NM_001166108.2 (MANE Select); coding-DNA position 2315, C replaced by G.
Protein change: p.Ser772Cys; replaces serine 772 with cysteine.
Molecular consequence: missense variant.
Genome position (GRCh38, 1-based): chr4:168,898,557, C>G. VCF-style: chr4-168898557-C-G. GRCh37 (hg19) VCF-style: chr4-169819708-C-G.
Other names: c.1118C>G, p.Ser373Cys (NM_001166109.2); c.803C>G, p.Ser268Cys (NM_001166110.2); c.143C>G, p.Ser48Cys (NM_001367567.1, NM_001367569.1); c.194C>G, p.Ser65Cys (NM_001367568.1, NM_001367570.1); c.2264C>G, p.Ser755Cys (NM_016081.4); short protein forms S268C, S373C, S48C, S65C, S755C, S772C.
Identifiers: ClinVar variation 3226769 (VCV003226769.1), dbSNP rs2533732390, ClinGen allele CA358798774.
Genomic context (GRCh38, chr4:168,898,557, plus strand): 5'-ACAAAGTCTCCAGCTGTGAACAGAGACTCATCAGTGAAATAGAGTACAGGCTAGAAAGGT[C>G]TCCTGTGGATGAATCAGGTGATGAAGTTCAGTATGGAGATGTGCCTGTGGAAAATGGAAT-3'
Protein context (NP_001159580.1, residues 762-782): ISEIEYRLER[Ser772Cys]PVDESGDEVQ

ClinVar aggregate classification (germline): Uncertain significance (1 of 4 stars; one submission).

Submission:

Ambry Genetics
Classification: Uncertain significance. Last evaluated: 2024-03-02. Review status: criteria provided, single submitter. Criteria: Ambry Variant Classification Scheme 2023. Collection method: clinical testing. Allele origin: germline.
Comment: The p.S755C variant (also known as c.2264C>G), located in coding exon 12 of the PALLD gene, results from a C to G substitution at nucleotide position 2264. The serine at codon 755 is replaced by cysteine, an amino acid with dissimilar properties. This amino acid position is conserved. In addition, the in silico prediction for this alteration is inconclusive. Based on the available evidence, the clinical significance of this alteration remains unclear.